The following is an entry in ClinVar:

ClinVar aggregate classification (germline): Likely benign. Review status: criteria provided, single submitter (1 of 4 stars). 2 submissions from 2 submitters: Likely benign (1). 1 of the submissions does not count toward it. Last evaluated 2026-01-25.

Conditions:
Propionic acidemia (PROP). Also called: GLYCINEMIA, KETOTIC; HYPERGLYCINEMIA WITH KETOACIDOSIS AND LEUKOPENIA; KETOTIC HYPERGLYCINEMIA. Identifiers: Orphanet 35, MedGen C0268579, MONDO:0011628, OMIM 606054, HP:0003571.
PCCB-related disorder. Also called: PCCB-related condition.

Allele frequency attached by ClinVar (database versions not stated): gnomAD exomes 0.00009; ExAC 0.00015; gnomAD 0.00039 and 0.00040; TOPMed 0.00047; ESP Exome Variant Server 0.00054; 1000 Genomes Project 30x 0.00094; 1000 Genomes Project 0.00120.
gnomAD v4.1: 111 of 1,613,394 alleles (0.0069%); highest among the groups gnomAD compares: African/African-American, 0.14%; no homozygotes.

Submissions (2):

Labcorp Genetics (formerly Invitae), Labcorp
Classification: Likely benign for Propionic acidemia. Last evaluated: 2026-01-25. Review status: criteria provided, single submitter. Criteria: Invitae Variant Classification Sherloc (09022015). Collection method: clinical testing. Allele origin: germline.

PreventionGenetics, part of Exact Sciences
Classification: Likely benign for PCCB-related condition. Last evaluated: 2023-04-17. Review status: no assertion criteria provided. Collection method: clinical testing. Allele origin: germline. Not counted in ClinVar's aggregate classification.
Comment: This variant is classified as likely benign based on ACMG/AMP sequence variant interpretation guidelines (Richards et al. 2015 PMID: 25741868, with internal and published modifications).

NM_000532.5(PCCB):c.1485T>G (p.Pro495=)

Gene: PCCB (propionyl-CoA carboxylase subunit beta; plus strand). Cytogenetic location: 3q22.3.
Variant type: single nucleotide variant.
Coding change: c.1485T>G on transcript NM_000532.5 (MANE Select); coding-DNA position 1485, T replaced by G.
Protein change: p.Pro495=; no amino-acid change (proline 495 retained).
Molecular consequence: synonymous variant.
Genome position (GRCh38, 1-based): chr3:136,328,844, T>G. VCF-style: chr3-136328844-T-G. GRCh37 (hg19) VCF-style: chr3-136047686-T-G.
Other names: c.1545T>G, p.Pro515= (NM_001178014.2).
Identifiers: ClinVar variation 747313 (VCV000747313.13), dbSNP rs151094095, ClinGen allele CA2632202.